The following is an entry in ClinVar:

ClinVar aggregate classification (germline): Benign/Likely benign. Review status: criteria provided, multiple submitters, no conflicts (2 of 4 stars). 4 submissions from 4 submitters: Benign (1); Likely benign (3). Last evaluated 2025-10-15.

Conditions:
Hereditary cancer-predisposing syndrome. Also called: Tumor predisposition; Neoplastic Syndromes, Hereditary; Hereditary neoplastic syndrome; Hereditary Cancer Syndrome. Identifiers: Orphanet 140162, MedGen C0027672, MeSH D009386, MONDO:0015356.
Familial cancer of breast. Also called: Hereditary breast cancer; BREAST CANCER, FAMILIAL; hereditary breast carcinoma. Identifiers: Orphanet 227535, MedGen C0346153, MONDO:0016419, OMIM 114480. Disease mechanism: loss of function.

gnomAD v4.1: 2 of 1,614,162 alleles (0.00012%); highest among the groups gnomAD compares: Non-Finnish European, 0.00017%; no homozygotes.

Submissions (4):

Labcorp Genetics (formerly Invitae), Labcorp
Classification: Likely benign for Familial cancer of breast. Last evaluated: 2025-10-15. Review status: criteria provided, single submitter. Criteria: Invitae Variant Classification Sherloc (09022015). Collection method: clinical testing. Allele origin: germline.

Myriad Genetics, Inc.
Classification: Benign for Familial cancer of breast. Last evaluated: 2025-01-14. Review status: criteria provided, single submitter. Criteria: Myriad Autosomal Dominant, Autosomal Recessive and X-Linked Classification Criteria (2023). Collection method: clinical testing. Allele origin: unknown.
Comment: This variant is considered benign. This variant is a silent/synonymous amino acid change and it is not expected to impact splicing.

Color Diagnostics, LLC DBA Color Health
Classification: Likely benign for Hereditary cancer-predisposing syndrome. Last evaluated: 2018-07-23. Review status: criteria provided, single submitter. Criteria: ACMG Guidelines, 2015. Collection method: clinical testing. Allele origin: germline.

Ambry Genetics
Classification: Likely benign for Hereditary cancer-predisposing syndrome. Last evaluated: 2015-10-12. Review status: criteria provided, single submitter. Criteria: Ambry Variant Classification Scheme 2023. Collection method: clinical testing. Allele origin: germline.

NM_024675.4(PALB2):c.1752T>C (p.Asp584=)

Gene: PALB2 (partner and localizer of BRCA2; minus strand). Cytogenetic location: 16p12.2.
Variant type: single nucleotide variant.
Coding change: c.1752T>C on transcript NM_024675.4 (MANE Select); coding-DNA position 1752, T replaced by C.
Protein change: p.Asp584=; no amino-acid change (aspartic acid 584 retained).
Molecular consequence: synonymous variant.
Genome position (GRCh38, 1-based): chr16:23,630,402, A>G on the plus strand (T>C on the coding strand, the complement: PALB2 is on the minus strand). VCF-style: chr16-23630402-A-G. GRCh37 (hg19) VCF-style: chr16-23641723-A-G.
Identifiers: ClinVar variation 415997 (VCV000415997.18), dbSNP rs1060504717, ClinGen allele CA16615093.